The following is an entry in ClinVar:

NM_004329.3(BMPR1A):c.1164C>G (p.Asn388Lys)

Gene: BMPR1A (bone morphogenetic protein receptor type 1A; plus strand). Cytogenetic location: 10q23.2.
Variant type: single nucleotide variant.
Coding change: c.1164C>G on transcript NM_004329.3 (MANE Select); coding-DNA position 1164, C replaced by G.
Protein change: p.Asn388Lys; replaces asparagine 388 with lysine.
Molecular consequence: missense variant. On other transcripts: non-coding transcript variant (3).
Genome position (GRCh38, 1-based): chr10:86,919,467, C>G. VCF-style: chr10-86919467-C-G. GRCh37 (hg19) VCF-style: chr10-88679224-C-G.
Other names: c.1239C>G, p.Asn413Lys (NM_001406559.1); c.1212C>G, p.Asn404Lys (NM_001406560.1); c.1164C>G, p.Asn388Lys (NM_001406561.1, NM_001406562.1, NM_001406563.1 and 19 more transcripts); c.1158C>G, p.Asn386Lys (NM_001406583.1); c.1080C>G, p.Asn360Lys (NM_001406584.1, NM_001406585.1, NM_001406586.1 and 2 more transcripts); c.822C>G, p.Asn274Lys (NM_001406589.1); short protein forms N274K, N386K, N404K, N360K, N388K, N413K.
Identifiers: ClinVar variation 2565022 (VCV002565022.2), dbSNP rs1432960036, ClinGen allele CA377461352.

ClinVar aggregate classification (germline): Uncertain significance (1 of 4 stars; one submission).

Conditions:
Hereditary cancer-predisposing syndrome. Also called: Neoplastic Syndromes, Hereditary; Hereditary Cancer Syndrome; Hereditary neoplastic syndrome; Tumor predisposition. Identifiers: Orphanet 140162, MedGen C0027672, MeSH D009386, MONDO:0015356.

Submission:

Ambry Genetics
Classification: Uncertain significance for Hereditary cancer-predisposing syndrome. Last evaluated: 2023-05-01. Review status: criteria provided, single submitter. Criteria: Ambry Variant Classification Scheme 2023. Collection method: clinical testing. Allele origin: germline.
Comment: The p.N388K variant (also known as c.1164C>G), located in coding exon 8 of the BMPR1A gene, results from a C to G substitution at nucleotide position 1164. The asparagine at codon 388 is replaced by lysine, an amino acid with similar properties. This amino acid position is conserved. In addition, this alteration is predicted to be tolerated by in silico analysis. Since supporting evidence is limited at this time, the clinical significance of this alteration remains unclear.